The following is an entry in ClinVar:

ClinVar aggregate classification (germline): Uncertain significance (0 of 4 stars; one submission).

Conditions:
UCP3-related disorder. Also called: UCP3-related condition.

gnomAD v4.1: 21 of 1,614,044 alleles (0.0013%); highest among the groups gnomAD compares: Admixed American, 0.033%; no homozygotes.

Submission:

PreventionGenetics, part of Exact Sciences
Classification: Uncertain significance for UCP3-related condition. Last evaluated: 2023-11-28. Review status: no assertion criteria provided. Collection method: clinical testing. Allele origin: germline.
Comment: The UCP3 c.692C>T variant is predicted to result in the amino acid substitution p.Ala231Val. To our knowledge, this variant has not been reported in the literature. This variant is reported in 0.017% of alleles in individuals of Latino descent in gnomAD. At this time, the clinical significance of this variant is uncertain due to the absence of conclusive functional and genetic evidence.

NM_003356.4(UCP3):c.692C>T (p.Ala231Val)

Gene: UCP3 (uncoupling protein 3; minus strand). Cytogenetic location: 11q13.4.
Variant type: single nucleotide variant.
Coding change: c.692C>T on transcript NM_003356.4 (MANE Select); coding-DNA position 692, C replaced by T.
Protein change: p.Ala231Val; replaces alanine 231 with valine.
Molecular consequence: missense variant.
Genome position (GRCh38, 1-based): chr11:74,003,959, G>A on the plus strand (C>T on the coding strand, the complement: UCP3 is on the minus strand). VCF-style: chr11-74003959-G-A. GRCh37 (hg19) VCF-style: chr11-73715004-G-A.
Other names: c.692C>T, p.Ala231Val (NM_022803.3); short protein forms A231V.
Identifiers: ClinVar variation 3354561 (VCV003354561.1).